The following is an entry in ClinVar:

NM_001377.3(DYNC2H1):c.2387G>T (p.Arg796Leu)

Gene: DYNC2H1 (dynein cytoplasmic 2 heavy chain 1; plus strand). Cytogenetic location: 11q22.3.
Variant type: single nucleotide variant.
Coding change: c.2387G>T on transcript NM_001377.3 (MANE Select); coding-DNA position 2387, G replaced by T.
Protein change: p.Arg796Leu; replaces arginine 796 with leucine.
Molecular consequence: missense variant.
Genome position (GRCh38, 1-based): chr11:103,135,761, G>T. VCF-style: chr11-103135761-G-T. GRCh37 (hg19) VCF-style: chr11-103006490-G-T.
Other names: c.2387G>T, p.Arg796Leu (NM_001080463.2); short protein forms R796L.
Identifiers: ClinVar variation 4293707 (VCV004293707.1).

ClinVar aggregate classification (germline): Uncertain significance (1 of 4 stars; one submission).

Conditions:
Asphyxiating thoracic dystrophy 3. Also called: SHORT-RIB THORACIC DYSPLASIA 3 WITH OR WITHOUT POLYDACTYLY; POLYDACTYLY WITH NEONATAL CHONDRODYSTROPHY, TYPE I; SHORT-RIB THORACIC DYSPLASIA 3/6 WITH POLYDACTYLY, DIGENIC; Short rib polydactyly syndrome 2B; Saldino-Noonan Syndrome. Identifiers: Orphanet 474, Orphanet 93269, Orphanet 93270, Orphanet 93271, MedGen C0036069, MONDO:0013127, OMIM 613091.

gnomAD v4.1: 3 of 1,611,512 alleles (0.00019%); highest among the groups gnomAD compares: Non-Finnish European, 0.00025%; no homozygotes.

Submission:

3billion
Classification: Uncertain significance for Asphyxiating thoracic dystrophy 3. Last evaluated: 2024-12-26. Review status: criteria provided, single submitter. Criteria: ACMG Guidelines, 2015. Collection method: clinical testing. Allele origin: germline. Affected: yes.
Comment: The variant is observed at an extremely low frequency in the gnomAD v4.1.0 dataset (total allele frequency: <0.001%). Predicted Consequence/Location: Missense variant Damaging effect on gene or gene product predicted by in silico programs is uncertain [REVEL: 0.45 (damaging >=0.6, benign <0.4), 3Cnet: 0.04 (damaging >=0.6, benign <0.15)]. A different missense change at the same codon (p.Arg796Trp) has been reported to be associated with DYNC2H1-related disorder (PMID: 37091781). However the evidence of pathogenicity is insufficient at this time. Therefore, this variant is classified as VUS according to the recommendation of ACMG/AMP guideline.

Literature cited by the submitters: PubMed 37091781.